The following is an entry in ClinVar:

ClinVar aggregate classification (germline): Likely pathogenic (1 of 4 stars; one submission).

Conditions:
COL1A1-related disorder. Also called: COL1A1- related disease; COL1A1-related condition.

Submission:

3billion
Classification: Likely pathogenic for COL1A1-related disorder. Last evaluated: 2024-10-17. Review status: criteria provided, single submitter. Criteria: ACMG Guidelines, 2015. Collection method: clinical testing. Allele origin: germline. Affected: yes.
Comment: The variant is not observed in the gnomAD v4.1.0 dataset. Predicted Consequence/Location: Missense variant In silico tool predictions suggest damaging effect of the variant on gene or gene product [REVEL: 0.98 (>=0.6, sensitivity 0.68 and specificity 0.92); 3Cnet: 0.99 (>=0.6, sensitivity 0.72 and precision 0.9)]. The same nucleotide change resulting in the same amino acid change has been previously reported to be associated with COL1A1 related disorder (PMID: 34902613).Different missense changes at the same codon (p.Gly338Cys, p.Gly338Ser, p.Gly338Val) have been reported as pathogenic/likely pathogenic with strong evidence (ClinVar ID: VCV000447136, VCV000456724 /PMID: 16786509, 17078022). Therefore, this variant is classified as Likely pathogenic according to the recommendation of ACMG/AMP guideline.

Literature cited by the submitters: PubMed 34902613; PubMed 16786509.

NM_000088.4(COL1A1):c.1012G>C (p.Gly338Arg)

Gene: COL1A1 (collagen type I alpha 1 chain; minus strand). Cytogenetic location: 17q21.33.
Variant type: single nucleotide variant.
Coding change: c.1012G>C on transcript NM_000088.4 (MANE Select); coding-DNA position 1012, G replaced by C.
Protein change: p.Gly338Arg; replaces glycine 338 with arginine.
Molecular consequence: missense variant.
Genome position (GRCh38, 1-based): chr17:50,195,967, C>G on the plus strand (G>C on the coding strand, the complement: COL1A1 is on the minus strand). VCF-style: chr17-50195967-C-G. GRCh37 (hg19) VCF-style: chr17-48273328-C-G.
Other names: short protein forms G338R.
Identifiers: ClinVar variation 4292584 (VCV004292584.1).